The following is an entry in ClinVar:

NM_015610.4(WIPI2):c.1197A>G (p.Thr399=)

Gene: WIPI2 (WD repeat domain, phosphoinositide interacting 2; plus strand). Cytogenetic location: 7p22.1.
Variant type: single nucleotide variant.
Coding change: c.1197A>G on transcript NM_015610.4 (MANE Select); coding-DNA position 1197, A replaced by G.
Protein change: p.Thr399=; no amino-acid change (threonine 399 retained).
Molecular consequence: synonymous variant.
Genome position (GRCh38, 1-based): chr7:5,229,683, A>G. VCF-style: chr7-5229683-A-G. GRCh37 (hg19) VCF-style: chr7-5269314-A-G.
Other names: c.1197A>G, p.Thr399= (NM_001033518.2); c.1143A>G, p.Thr381= (NM_001033519.2, NM_016003.4); c.1020A>G, p.Thr340= (NM_001033520.1); c.765A>G, p.Thr255= (NM_001278299.2); c.1197A>G (NM_015610.3).
Identifiers: ClinVar variation 778277 (VCV000778277.6), dbSNP rs34104542, ClinGen allele CA4142026.

ClinVar aggregate classification (germline): Benign. Review status: criteria provided, single submitter (1 of 4 stars). 2 submissions from 2 submitters: Benign (1). 1 of the submissions does not count toward it. Last evaluated 2019-12-31.

Conditions:
WIPI2-related disorder. Also called: WIPI2-related condition.

Allele frequency attached by ClinVar (database versions not stated): gnomAD exomes 0.00238 and 0.00603; ExAC 0.00721; gnomAD 0.02330 and 0.02485; 1000 Genomes Project 0.02536; ESP Exome Variant Server 0.02560; TOPMed 0.02634; 1000 Genomes Project 30x 0.02717.
gnomAD v4.1: 7,174 of 1,614,074 alleles (0.44%); highest among the groups gnomAD compares: African/African-American, 8%; 230 homozygotes.

Submissions (2):

Labcorp Genetics (formerly Invitae), Labcorp
Classification: Benign. Last evaluated: 2019-12-31. Review status: criteria provided, single submitter. Criteria: Invitae Variant Classification Sherloc (09022015). Collection method: clinical testing. Allele origin: germline.

PreventionGenetics, part of Exact Sciences
Classification: Benign for WIPI2-related condition. Last evaluated: 2019-10-29. Review status: no assertion criteria provided. Collection method: clinical testing. Allele origin: germline. Not counted in ClinVar's aggregate classification.
Comment: This variant is classified as benign based on ACMG/AMP sequence variant interpretation guidelines (Richards et al. 2015 PMID: 25741868, with internal and published modifications).